The following is an entry in ClinVar:

ClinVar aggregate classification (germline): Uncertain significance (1 of 4 stars; one submission).

gnomAD v4.1: 1 of 1,613,922 alleles (0.000062%); highest among the groups gnomAD compares: African/African-American, 0.0013%; no homozygotes.

Submission:

Labcorp Genetics (formerly Invitae), Labcorp
Classification: Uncertain significance. Last evaluated: 2024-12-15. Review status: criteria provided, single submitter. Criteria: Invitae Variant Classification Sherloc (09022015). Collection method: clinical testing. Allele origin: germline.
Comment: This sequence change replaces serine, which is neutral and polar, with isoleucine, which is neutral and non-polar, at codon 1086 of the COL4A1 protein (p.Ser1086Ile). This variant is not present in population databases (gnomAD no frequency). This variant has not been reported in the literature in individuals affected with COL4A1-related conditions. Invitae Evidence Modeling of protein sequence and biophysical properties (such as structural, functional, and spatial information, amino acid conservation, physicochemical variation, residue mobility, and thermodynamic stability) indicates that this missense variant is not expected to disrupt COL4A1 protein function with a negative predictive value of 95%. In summary, the available evidence is currently insufficient to determine the role of this variant in disease. Therefore, it has been classified as a Variant of Uncertain Significance.

NM_001845.6(COL4A1):c.3257G>T (p.Ser1086Ile)

Gene: COL4A1 (collagen type IV alpha 1 chain; minus strand). Cytogenetic location: 13q34.
Variant type: single nucleotide variant.
Coding change: c.3257G>T on transcript NM_001845.6 (MANE Select); coding-DNA position 3257, G replaced by T.
Protein change: p.Ser1086Ile; replaces serine 1086 with isoleucine.
Molecular consequence: missense variant.
Genome position (GRCh38, 1-based): chr13:110,174,691, C>A on the plus strand (G>T on the coding strand, the complement: COL4A1 is on the minus strand). VCF-style: chr13-110174691-C-A. GRCh37 (hg19) VCF-style: chr13-110827038-C-A.
Other names: short protein forms S1086I.
Identifiers: ClinVar variation 3714066 (VCV003714066.2).